The following is an entry in ClinVar:

ClinVar aggregate classification (germline): Likely benign. Review status: criteria provided, multiple submitters, no conflicts (2 of 4 stars). 3 submissions from 3 submitters: Likely benign (3). Last evaluated 2024-10-18.

Conditions:
Hereditary leiomyomatosis and renal cell cancer. Also called: MULTIPLE CUTANEOUS AND UTERINE LEIOMYOMATA 1, WITH OR WITHOUT RENAL CELL CARCINOMA; LEIOMYOMA, MULTIPLE CUTANEOUS; Reed syndrome; Multiple cutaneous and uterine leiomyomatosis; Cutaneous leiomyomata with uterine leiomyomata; Leiomyoma, hereditary multiple, of skin. Identifiers: Orphanet 523, MedGen C1708350, MONDO:0007888, OMIM 150800, HP:0007437. Disease mechanism: loss of function.
Hereditary cancer-predisposing syndrome. Also called: Hereditary neoplastic syndrome; Neoplastic Syndromes, Hereditary; Hereditary Cancer Syndrome; Tumor predisposition. Identifiers: Orphanet 140162, MedGen C0027672, MeSH D009386, MONDO:0015356.

Submissions (3):

Myriad Genetics, Inc.
Classification: Likely benign for Hereditary leiomyomatosis and renal cell cancer. Last evaluated: 2024-10-18. Review status: criteria provided, single submitter. Criteria: Myriad Autosomal Dominant, Autosomal Recessive and X-Linked Classification Criteria (2023). Collection method: clinical testing. Allele origin: unknown.
Comment: This variant is considered likely benign. This variant is intronic and is not expected to impact mRNA splicing.

Ambry Genetics
Classification: Likely benign for Hereditary cancer-predisposing syndrome. Last evaluated: 2024-07-19. Review status: criteria provided, single submitter. Criteria: Ambry Variant Classification Scheme 2023. Collection method: clinical testing. Allele origin: germline.

Labcorp Genetics (formerly Invitae), Labcorp
Classification: Likely benign. Last evaluated: 2022-09-12. Review status: criteria provided, single submitter. Criteria: Invitae Variant Classification Sherloc (09022015). Collection method: clinical testing. Allele origin: germline.

NM_000143.4(FH):c.379-4G>T

Gene: FH (fumarate hydratase; minus strand). Cytogenetic location: 1q43.
Variant type: single nucleotide variant.
Coding change: c.379-4G>T on transcript NM_000143.4 (MANE Select); 4 bases into the intron before coding-DNA position 379, G replaced by T.
Molecular consequence: intron variant.
Genome position (GRCh38, 1-based): chr1:241,512,147, C>A on the plus strand (G>T on the coding strand, the complement: FH is on the minus strand). VCF-style: chr1-241512147-C-A. GRCh37 (hg19) VCF-style: chr1-241675447-C-A.
Other names: c.379-4G>T (NM_000143.3).
Identifiers: ClinVar variation 2064752 (VCV002064752.6), dbSNP rs1660104141, ClinGen allele CA2580063456.